The following is an entry in ClinVar:

NM_015466.4(PTPN23):c.4651_4652dup (p.Leu1552fs)

Gene: PTPN23 (protein tyrosine phosphatase non-receptor type 23; plus strand). Cytogenetic location: 3p21.31.
Variant type: Duplication.
Coding change: c.4651_4652dup on transcript NM_015466.4 (MANE Select); coding-DNA positions 4651 to 4652, 2 bases duplicated (CC; older notation c.4651_4652dupCC).
Protein change: p.Leu1552fs; shifts the reading frame from leucine 1552.
Molecular consequence: frameshift variant.
Genome position (GRCh38, 1-based): chr3:47,412,925-47,412,926, CC duplicated; duplicating any 2 consecutive bases within chr3:47,412,923-47,412,926 gives the same sequence; the c. name uses the placement nearest the transcript's 3' end. VCF-style (leftmost placement, unchanged base first): chr3-47412922-T-TCC. GRCh37 (hg19) VCF-style: chr3-47454412-T-TCC.
Other names: c.4273_4274dup, p.Leu1426fs (NM_001304482.2); short protein forms L1552fs, L1426fs.
Identifiers: ClinVar variation 636321 (VCV000636321.7), dbSNP rs1576235873, ClinGen allele CA915942950.

ClinVar aggregate classification (germline): Uncertain significance. Review status: criteria provided, single submitter (1 of 4 stars). 3 submissions from 3 submitters: Uncertain significance (1). 2 of the submissions do not count toward it. Last evaluated 2022-08-09.

Conditions:
Neurodevelopmental disorder and structural brain anomalies with or without seizures and spasticity. Identifiers: MedGen C5394423, MONDO:0030046, OMIM 618890.
Global developmental delay (DD). Also called: Cognitive delay. Identifiers: MedGen C0557874, HP:0001263. Disease mechanism: loss of function.
Brain atrophy. Identifiers: MedGen C4551584, HP:0012444.

Submissions (3):

Labcorp Genetics (formerly Invitae), Labcorp
Classification: Uncertain significance. Last evaluated: 2022-08-09. Review status: criteria provided, single submitter. Criteria: Invitae Variant Classification Sherloc (09022015). Collection method: clinical testing. Allele origin: germline.
Comment: ClinVar contains an entry for this variant (Variation ID: 636321). Experimental studies and prediction algorithms are not available or were not evaluated, and the functional significance of this variant is currently unknown. This sequence change creates a premature translational stop signal (p.Leu1552Hisfs*33) in the PTPN23 gene. While this is not anticipated to result in nonsense mediated decay, it is expected to disrupt the last 85 amino acid(s) of the PTPN23 protein. This premature translational stop signal has been observed in individual(s) with neurodevelopmental delay and structural brain abnormalities (PMID: 31395947). This variant is not present in population databases (gnomAD no frequency). In summary, the available evidence is currently insufficient to determine the role of this variant in disease. Therefore, it has been classified as a Variant of Uncertain Significance.

OMIM
Classification: Pathogenic for NEURODEVELOPMENTAL DISORDER AND STRUCTURAL BRAIN ANOMALIES WITHOUT SEIZURES AND WITH SPASTICITY. Last evaluated: 2020-05-29. Review status: no assertion criteria provided. Collection method: literature only. Allele origin: germline. Not counted in ClinVar's aggregate classification.

Regeneron Genetics Center, Regeneron
Classification: Likely pathogenic for Global developmental delay; Brain atrophy. Last evaluated: 2019-02-15. Review status: no assertion criteria provided. Collection method: research. Allele origin: germline. Affected: yes. Not counted in ClinVar's aggregate classification.
Comment: Identified in cohort of patients with neurodevelopmental disorder accompanied by structural brain abnormalities

Literature cited by the submitters: PubMed 31395947 (cited by Labcorp Genetics (formerly Invitae), Labcorp and OMIM).